The following is an entry in ClinVar:

ClinVar aggregate classification (germline): Uncertain significance (1 of 4 stars; one submission).

Conditions:
Inborn genetic diseases. Identifiers: MedGen C0950123, MeSH D030342.

Submission:

Ambry Genetics
Classification: Uncertain significance for Inborn genetic diseases. Last evaluated: 2021-08-09. Review status: criteria provided, single submitter. Criteria: Ambry Variant Classification Scheme 2023. Collection method: clinical testing. Allele origin: germline.
Comment: The p.A348T variant (also known as c.1042G>A), located in coding exon 5 of the PRDM12 gene, results from a G to A substitution at nucleotide position 1042. The alanine at codon 348 is replaced by threonine, an amino acid with similar properties. This amino acid position is conserved. In addition, this alteration is predicted to be tolerated by in silico analysis. Since supporting evidence is limited at this time, the clinical significance of this alteration remains unclear.

NM_021619.3(PRDM12):c.1042G>A (p.Ala348Thr)

Gene: PRDM12 (PR/SET domain 12; plus strand). Cytogenetic location: 9q34.12.
Variant type: single nucleotide variant.
Coding change: c.1042G>A on transcript NM_021619.3 (MANE Select); coding-DNA position 1042, G replaced by A.
Protein change: p.Ala348Thr; replaces alanine 348 with threonine.
Molecular consequence: missense variant.
Genome position (GRCh38, 1-based): chr9:130,681,607, G>A. VCF-style: chr9-130681607-G-A. GRCh37 (hg19) VCF-style: chr9-133556994-G-A.
Other names: short protein forms A348T.
Identifiers: ClinVar variation 1774530 (VCV001774530.2), dbSNP rs2490750900, ClinGen allele CA375245235.